The following is an entry in ClinVar:

ClinVar aggregate classification (germline): Likely benign. Review status: criteria provided, multiple submitters, no conflicts (2 of 4 stars). 2 submissions from 2 submitters: Likely benign (2). Last evaluated 2025-09-26.

Conditions:
SCP2-related disorder. Also called: SCP2-related condition.

Allele frequency attached by ClinVar (database versions not stated): TOPMed 0.00001; gnomAD 0.00005; gnomAD exomes 0.00007 and 0.00014; ExAC 0.00018; 1000 Genomes Project 30x 0.00047; 1000 Genomes Project 0.00060.
gnomAD v4.1: 114 of 1,614,030 alleles (0.0071%); highest among the groups gnomAD compares: South Asian, 0.12%; 2 homozygotes.

Submissions (2):

Labcorp Genetics (formerly Invitae), Labcorp
Classification: Likely benign. Last evaluated: 2025-09-26. Review status: criteria provided, single submitter. Criteria: Invitae Variant Classification Sherloc (09022015). Collection method: clinical testing. Allele origin: germline.

PreventionGenetics, part of Exact Sciences
Classification: Likely benign for SCP2-related condition. Last evaluated: 2025-07-29. Review status: criteria provided, single submitter. Criteria: ACMG Guidelines, 2015. Collection method: clinical testing. Allele origin: germline.
Comment: This variant is classified as likely benign based on ACMG/AMP sequence variant interpretation guidelines (Richards et al. 2015 PMID: 25741868, with internal and published modifications).

NM_002979.5(SCP2):c.1230C>T (p.Ala410=)

Gene: SCP2 (sterol carrier protein 2; plus strand). Cytogenetic location: 1p32.3.
Variant type: single nucleotide variant.
Coding change: c.1230C>T on transcript NM_002979.5 (MANE Select); coding-DNA position 1230, C replaced by T.
Protein change: p.Ala410=; no amino-acid change (alanine 410 retained).
Molecular consequence: synonymous variant.
Genome position (GRCh38, 1-based): chr1:53,015,038, C>T. VCF-style: chr1-53015038-C-T. GRCh37 (hg19) VCF-style: chr1-53480710-C-T.
Other names: c.18C>T, p.Ala6= (NM_001007099.3, NM_001007100.3, NM_001007250.3); c.1158C>T, p.Ala386= (NM_001193599.2); c.1098C>T, p.Ala366= (NM_001193600.2); c.987C>T, p.Ala329= (NM_001193617.2); c.1230C>T (NM_002979.4).
Identifiers: ClinVar variation 1546024 (VCV001546024.10), dbSNP rs565333584, ClinGen allele CA857356.
Genomic context (GRCh38, chr1:53,015,038, plus strand): 5'-TAATTTAGGCATTGGAGGAGCTGTGGTTGTAACACTCTACAAGATGGGTTTTCCGGAAGC[C>T]GCCAGGTGAGTGACATTCAGAGTTTTGTGTGTCAGTTAATCCTTCTGACTTTTCACAGTT-3'
Protein context (NP_002970.2, residues 400-420): VTLYKMGFPE[Ala410=]ASSFRTHQIE